The following is an entry in ClinVar:

NM_001457.4(FLNB):c.6325G>A (p.Ala2109Thr)

Gene: FLNB (filamin B; plus strand). Cytogenetic location: 3p14.3.
Variant type: single nucleotide variant.
Coding change: c.6325G>A on transcript NM_001457.4 (MANE Select); coding-DNA position 6325, G replaced by A.
Protein change: p.Ala2109Thr; replaces alanine 2109 with threonine.
Molecular consequence: missense variant.
Genome position (GRCh38, 1-based): chr3:58,150,185, G>A. VCF-style: chr3-58150185-G-A. GRCh37 (hg19) VCF-style: chr3-58135912-G-A.
Other names: c.6418G>A, p.Ala2140Thr (NM_001164317.2); c.6292G>A, p.Ala2098Thr (NM_001164318.2); c.6253G>A, p.Ala2085Thr (NM_001164319.2); short protein forms A2085T, A2098T, A2109T, A2140T.
Identifiers: ClinVar variation 3695505 (VCV003695505.3).

ClinVar aggregate classification (germline): Uncertain significance. Review status: criteria provided, multiple submitters, no conflicts (2 of 4 stars). 2 submissions from 2 submitters: Uncertain significance (2). Last evaluated 2024-11-11.

gnomAD v4.1: 9 of 1,614,232 alleles (0.00056%); highest among the groups gnomAD compares: Non-Finnish European, 0.00076%; no homozygotes.

Submissions (2):

Labcorp Genetics (formerly Invitae), Labcorp
Classification: Uncertain significance. Last evaluated: 2024-11-11. Review status: criteria provided, single submitter. Criteria: Invitae Variant Classification Sherloc (09022015). Collection method: clinical testing. Allele origin: germline.
Comment: This sequence change replaces alanine, which is neutral and non-polar, with threonine, which is neutral and polar, at codon 2109 of the FLNB protein (p.Ala2109Thr). This variant is present in population databases (rs770714919, gnomAD 0.0009%). This variant has not been reported in the literature in individuals affected with FLNB-related conditions. Invitae Evidence Modeling of protein sequence and biophysical properties (such as structural, functional, and spatial information, amino acid conservation, physicochemical variation, residue mobility, and thermodynamic stability) indicates that this missense variant is not expected to disrupt FLNB protein function with a negative predictive value of 95%. In summary, the available evidence is currently insufficient to determine the role of this variant in disease. Therefore, it has been classified as a Variant of Uncertain Significance.

Blueprint Genetics
Classification: Uncertain significance. Last evaluated: 2024-03-20. Review status: criteria provided, single submitter. Criteria: ACMG Guidelines, 2015. Collection method: clinical testing. Allele origin: germline.